The following is an entry in ClinVar:

NM_013451.4(MYOF):c.5767A>T (p.Met1923Leu)

Gene: MYOF (myoferlin; minus strand). Cytogenetic location: 10q23.33.
Variant type: single nucleotide variant.
Coding change: c.5767A>T on transcript NM_013451.4 (MANE Select); coding-DNA position 5767, A replaced by T.
Protein change: p.Met1923Leu; replaces methionine 1923 with leucine.
Molecular consequence: missense variant.
Genome position (GRCh38, 1-based): chr10:93,313,142, T>A on the plus strand (A>T on the coding strand, the complement: MYOF is on the minus strand). VCF-style: chr10-93313142-T-A. GRCh37 (hg19) VCF-style: chr10-95072899-T-A.
Other names: c.5728A>T, p.Met1910Leu (NM_133337.3); short protein forms M1910L, M1923L.
Identifiers: ClinVar variation 2640684 (VCV002640684.24), dbSNP rs1386310440, ClinGen allele CA377603274.

ClinVar aggregate classification (germline): Uncertain significance (1 of 4 stars; one submission).

Submission:

CeGaT Center for Human Genetics Tuebingen
Classification: Uncertain significance. Last evaluated: 2023-07-01. Review status: criteria provided, single submitter. Criteria: CeGaT Center For Human Genetics Tuebingen Variant Classification Criteria Version 2. Collection method: clinical testing. Allele origin: germline. Affected: yes. Observed: 1 variant allele.
Comment: MYOF: PM2, BP4